The following is an entry in ClinVar:

NM_002206.3(ITGA7):c.644G>A (p.Gly215Glu)

Gene: ITGA7 (integrin subunit alpha 7; minus strand). Cytogenetic location: 12q13.2.
Variant type: single nucleotide variant.
Coding change: c.644G>A on transcript NM_002206.3 (MANE Select); coding-DNA position 644, G replaced by A.
Protein change: p.Gly215Glu; replaces glycine 215 with glutamic acid.
Molecular consequence: missense variant. On other transcripts: 5 prime UTR variant (1).
Genome position (GRCh38, 1-based): chr12:55,700,925, C>T on the plus strand (G>A on the coding strand, the complement: ITGA7 is on the minus strand). VCF-style: chr12-55700925-C-T. GRCh37 (hg19) VCF-style: chr12-56094709-C-T.
Other names: c.644G>A, p.Gly215Glu (NM_001144996.2, NM_001374465.1, NM_001410977.1 and 5 more transcripts); c.353G>A, p.Gly118Glu (NM_001144997.2); c.305G>A, p.Gly102Glu (NM_001367993.1, NM_001414035.1); c.-529G>A (NM_001367994.1); c.461G>A, p.Gly154Glu (NM_001414033.1); short protein forms G102E, G118E, G215E, G154E.
Identifiers: ClinVar variation 1016520 (VCV001016520.8), dbSNP rs928072732, ClinGen allele CA237577620.

ClinVar aggregate classification (germline): Uncertain significance (1 of 4 stars; one submission).

Conditions:
Congenital muscular dystrophy due to integrin alpha-7 deficiency. Also called: MYOPATHY, CONGENITAL, DUE TO INTEGRIN ALPHA-7 DEFICIENCY; Congenital muscular dystrophy with integrin alpha-7 deficiency; Muscular dystrophy, congenital, due to ITGA7 deficiency. Identifiers: Orphanet 34520, MedGen C2750786, MONDO:0013177, OMIM 613204.

Allele frequency attached by ClinVar (database versions not stated): gnomAD 0.00001 and 0.00003; gnomAD exomes 0.00002; TOPMed 0.00002.

Submission:

Labcorp Genetics (formerly Invitae), Labcorp
Classification: Uncertain significance for Congenital muscular dystrophy due to integrin alpha-7 deficiency. Last evaluated: 2020-02-28. Review status: criteria provided, single submitter. Criteria: Invitae Variant Classification Sherloc (09022015). Collection method: clinical testing. Allele origin: germline.
Comment: This sequence change replaces glycine with glutamic acid at codon 215 of the ITGA7 protein (p.Gly215Glu). The glycine residue is highly conserved and there is a moderate physicochemical difference between glycine and glutamic acid. This variant is not present in population databases (ExAC no frequency). This variant has not been reported in the literature in individuals with ITGA7-related conditions. Algorithms developed to predict the effect of missense changes on protein structure and function are either unavailable or do not agree on the potential impact of this missense change (SIFT: "Deleterious"; PolyPhen-2: "Probably Damaging"; Align-GVGD: "Class C0"). Algorithms developed to predict the effect of sequence changes on RNA splicing suggest that this variant may create or strengthen a splice site, but this prediction has not been confirmed by published transcriptional studies. In summary, the available evidence is currently insufficient to determine the role of this variant in disease. Therefore, it has been classified as a Variant of Uncertain Significance.